The following is an entry in ClinVar:

NM_004064.5(CDKN1B):c.184T>G (p.Phe62Val)

Gene: CDKN1B (cyclin dependent kinase inhibitor 1B; plus strand). Cytogenetic location: 12p13.1.
Variant type: single nucleotide variant.
Coding change: c.184T>G on transcript NM_004064.5 (MANE Select); coding-DNA position 184, T replaced by G.
Protein change: p.Phe62Val; replaces phenylalanine 62 with valine.
Molecular consequence: missense variant.
Genome position (GRCh38, 1-based): chr12:12,718,023, T>G. VCF-style: chr12-12718023-T-G. GRCh37 (hg19) VCF-style: chr12-12870957-T-G.
Other names: short protein forms F62V.
Identifiers: ClinVar variation 3359425 (VCV003359425.1).

ClinVar aggregate classification (germline): Uncertain significance (1 of 4 stars; one submission).

Submission:

GeneDx
Classification: Uncertain significance. Last evaluated: 2023-06-01. Review status: criteria provided, single submitter. Criteria: GeneDx Variant Classification Process June 2021. Collection method: clinical testing. Allele origin: germline. Affected: yes.
Comment: Not observed at significant frequency in large population cohorts (gnomAD); In silico analysis supports that this missense variant has a deleterious effect on protein structure/function; Has not been previously published as pathogenic or benign to our knowledge